The following is an entry in ClinVar:

NM_002582.4(PARN):c.781C>T (p.Gln261Ter)

Gene: PARN (poly(A)-specific ribonuclease; minus strand). Cytogenetic location: 16p13.12.
Variant type: single nucleotide variant.
Coding change: c.781C>T on transcript NM_002582.4 (MANE Select); coding-DNA position 781, C replaced by T.
Protein change: p.Gln261Ter; replaces glutamine 261 with a stop codon.
Molecular consequence: nonsense.
Genome position (GRCh38, 1-based): chr16:14,604,148, G>A on the plus strand (C>T on the coding strand, the complement: PARN is on the minus strand). VCF-style: chr16-14604148-G-A. GRCh37 (hg19) VCF-style: chr16-14698005-G-A.
Other names: p.Gln200*; c.598C>T, p.Gln200Ter (NM_001134477.3); c.643C>T, p.Gln215Ter (NM_001242992.2); short protein forms Q200*, Q215*, Q261*.
Identifiers: ClinVar variation 1695961 (VCV001695961.1), dbSNP rs1971042698, ClinGen allele CA394807404.

ClinVar aggregate classification (germline): Pathogenic (1 of 4 stars; one submission).

Conditions:
Pulmonary fibrosis. Identifiers: MedGen C0034069, MONDO:0002771, HP:0002206.

Allele frequency attached by ClinVar (database versions not stated): TOPMed below 0.00001.

Submission:

Garcia Pulmonary Genetics Research Laboratory, Columbia University Irving Medical Center
Classification: Pathogenic for Pulmonary fibrosis. Last evaluated: 2022-06-09. Review status: criteria provided, single submitter. Criteria: ACMG Guidelines, 2015. Collection method: research. Allele origin: germline. Affected: yes.
Comment: Pathogenic criteria: null variant (PVS1) with functional study supportive of damaging effect (PS3): leukocyte telomere length (by qPCR) less than 10th percentile age-adjusted